The following is an entry in ClinVar:

ClinVar aggregate classification (germline): Uncertain significance. Review status: criteria provided, multiple submitters, no conflicts (2 of 4 stars). 3 submissions from 3 submitters: Uncertain significance (3). Last evaluated 2026-07-17.

Conditions:
Hereditary cancer-predisposing syndrome. Also called: Neoplastic Syndromes, Hereditary; Hereditary neoplastic syndrome; Hereditary Cancer Syndrome; Tumor predisposition. Identifiers: Orphanet 140162, MedGen C0027672, MeSH D009386, MONDO:0015356.
Familial cancer of breast. Also called: hereditary breast carcinoma; Hereditary breast cancer; BREAST CANCER, FAMILIAL. Identifiers: Orphanet 227535, MedGen C0346153, MONDO:0016419, OMIM 114480. Disease mechanism: loss of function.
Fanconi anemia complementation group J. Also called: BRIP1-Related Fanconi Anemia. Identifiers: Orphanet 84, MedGen C1836860, MONDO:0012187, OMIM 609054.

Submissions (3):

Ambry Genetics
Classification: Uncertain significance for Hereditary cancer-predisposing syndrome. Last evaluated: 2026-07-17. Review status: criteria provided, single submitter. Criteria: Ambry Variant Classification Scheme 2023. Collection method: clinical testing. Allele origin: germline.
Comment: The c.1626_1628delCAG variant (also known as p.S542del) is located in coding exon 10 of the BRIP1 gene. This variant results from an in-frame CAG deletion at nucleotide positions 1626 to 1628. This results in the in-frame deletion of a serine at codon 542. This amino acid position is well conserved in available vertebrate species. In silico splice site analysis predicts that this alteration will weaken the native splice donor site and will result in the creation or strengthening of a novel splice donor site. Based on the available evidence, the clinical significance of this variant remains unclear.

Labcorp Genetics (formerly Invitae), Labcorp
Classification: Uncertain significance for Familial cancer of breast; Fanconi anemia complementation group J. Last evaluated: 2023-08-04. Review status: criteria provided, single submitter. Criteria: Invitae Variant Classification Sherloc (09022015). Collection method: clinical testing. Allele origin: germline.
Comment: In summary, the available evidence is currently insufficient to determine the role of this variant in disease. Therefore, it has been classified as a Variant of Uncertain Significance. Algorithms developed to predict the effect of sequence changes on RNA splicing suggest that this variant may disrupt the consensus splice site. Experimental studies and prediction algorithms are not available or were not evaluated, and the functional significance of this variant is currently unknown. ClinVar contains an entry for this variant (Variation ID: 489814). This variant has not been reported in the literature in individuals affected with BRIP1-related conditions. This variant is not present in population databases (gnomAD no frequency). This variant, c.1626_1628del, results in the deletion of 1 amino acid(s) of the BRIP1 protein (p.Ser542del), but otherwise preserves the integrity of the reading frame.

Color Diagnostics, LLC DBA Color Health
Classification: Uncertain significance for Hereditary cancer-predisposing syndrome. Last evaluated: 2019-05-02. Review status: criteria provided, single submitter. Criteria: ACMG Guidelines, 2015. Collection method: clinical testing. Allele origin: germline.

NM_032043.3(BRIP1):c.1626_1628del (p.Ser542del)

Gene: BRIP1 (BRCA1 interacting DNA helicase 1; minus strand). Cytogenetic location: 17q23.2.
Variant type: Deletion.
Coding change: c.1626_1628del on transcript NM_032043.3 (MANE Select); coding-DNA positions 1626 to 1628, 3 bases deleted (CAG; older notation c.1626_1628delCAG).
Protein change: p.Ser542del; deletes serine 542.
Molecular consequence: inframe deletion.
Genome position (GRCh38, 1-based): chr17:61,784,270-61,784,272, CTG deleted on the plus strand (CAG on the coding strand, the reverse complement: BRIP1 is on the minus strand); deleting any 3 consecutive bases within chr17:61,784,270-61,784,274 gives the same sequence; the c. name uses the placement nearest the transcript's 3' end. VCF-style (leftmost placement, unchanged base first): chr17-61784269-CCTG-C. GRCh37 (hg19) VCF-style: chr17-59861630-CCTG-C.
Other names: c.1626_1628delCAG (NM_032043.2); short protein forms S542del.
Identifiers: ClinVar variation 489814 (VCV000489814.8), dbSNP rs1555603461, ClinGen allele CA658684155.
Genomic context (GRCh38, chr17:61,784,269, plus strand): 5'-TGCTAGCATCCAAATTAGGCTATTTTTAAAAGGAAAATACATACTAGTTATCTTCACTTA[CCTG>C]CTATTTTGCCTAAAAAGATAGTCAAGTACCATAAAAAGTCCTTTAAGCATTATTTGAGTT-3'